The following is an entry in ClinVar:

ClinVar aggregate classification (germline): Uncertain significance. Review status: criteria provided, multiple submitters, no conflicts (2 of 4 stars). 2 submissions from 2 submitters: Uncertain significance (2). Last evaluated 2024-11-24.

Conditions:
Inborn genetic diseases. Identifiers: MedGen C0950123, MeSH D030342.

Allele frequency attached by ClinVar (database versions not stated): ExAC 0.00001; gnomAD exomes 0.00001 and 0.00002; TOPMed 0.00001.
gnomAD v4.1: 19 of 1,613,760 alleles (0.0012%); highest among the groups gnomAD compares: Non-Finnish European, 0.0014%; no homozygotes.

Submissions (2):

Ambry Genetics
Classification: Uncertain significance for Inborn genetic diseases. Last evaluated: 2024-11-24. Review status: criteria provided, single submitter. Criteria: Ambry Variant Classification Scheme 2023. Collection method: clinical testing. Allele origin: germline.

Labcorp Genetics (formerly Invitae), Labcorp
Classification: Uncertain significance. Last evaluated: 2024-01-02. Review status: criteria provided, single submitter. Criteria: Invitae Variant Classification Sherloc (09022015). Collection method: clinical testing. Allele origin: germline.
Comment: This sequence change replaces histidine, which is basic and polar, with tyrosine, which is neutral and polar, at codon 1246 of the FAT4 protein (p.His1246Tyr). This variant is present in population databases (rs770886307, gnomAD 0.006%). This variant has not been reported in the literature in individuals affected with FAT4-related conditions. ClinVar contains an entry for this variant (Variation ID: 1373380). Advanced modeling of protein sequence and biophysical properties (such as structural, functional, and spatial information, amino acid conservation, physicochemical variation, residue mobility, and thermodynamic stability) performed at Invitae indicates that this missense variant is not expected to disrupt FAT4 protein function with a negative predictive value of 95%. In summary, the available evidence is currently insufficient to determine the role of this variant in disease. Therefore, it has been classified as a Variant of Uncertain Significance.

NM_001291303.3(FAT4):c.3736C>T (p.His1246Tyr)

Gene: FAT4 (FAT atypical cadherin 4; plus strand). Cytogenetic location: 4q28.1.
Variant type: single nucleotide variant.
Coding change: c.3736C>T on transcript NM_001291303.3 (MANE Select); coding-DNA position 3736, C replaced by T.
Protein change: p.His1246Tyr; replaces histidine 1246 with tyrosine.
Molecular consequence: missense variant.
Genome position (GRCh38, 1-based): chr4:125,320,147, C>T. VCF-style: chr4-125320147-C-T. GRCh37 (hg19) VCF-style: chr4-126241302-C-T.
Other names: c.3736C>T, p.His1246Tyr (NM_001291285.3, NM_024582.6); c.3736C>T (NM_024582.4); short protein forms H1246Y.
Identifiers: ClinVar variation 1373380 (VCV001373380.5), dbSNP rs770886307, ClinGen allele CA3072356.